The following is an entry in ClinVar:

NM_020919.4(ALS2):c.4641G>A (p.Thr1547=)

Gene: ALS2 (alsin Rho guanine nucleotide exchange factor ALS2; minus strand). Cytogenetic location: 2q33.1.
Variant type: single nucleotide variant.
Coding change: c.4641G>A on transcript NM_020919.4 (MANE Select); coding-DNA position 4641, G replaced by A.
Protein change: p.Thr1547=; no amino-acid change (threonine 1547 retained).
Molecular consequence: synonymous variant.
Genome position (GRCh38, 1-based): chr2:201,705,186, C>T on the plus strand (G>A on the coding strand, the complement: ALS2 is on the minus strand). VCF-style: chr2-201705186-C-T. GRCh37 (hg19) VCF-style: chr2-202569909-C-T.
Identifiers: ClinVar variation 696470 (VCV000696470.26), dbSNP rs759206593, ClinGen allele CA2057506.

ClinVar aggregate classification (germline): Likely benign. Review status: criteria provided, multiple submitters, no conflicts (2 of 4 stars). 2 submissions from 2 submitters: Likely benign (2). Last evaluated 2026-01-26.

Conditions:
Infantile-onset ascending hereditary spastic paralysis (IAHSP). Also called: Autosomal Recessive Juvenile Amyotrophic Lateral Sclerosis; Infantile-Onset Ascending Hereditary Spastic Paralysis (IAHSP). Identifiers: Orphanet 293168, MedGen C2931441, MONDO:0011797, OMIM 607225. Disease mechanism: loss of function.

Allele frequency attached by ClinVar (database versions not stated): ExAC 0.00001; gnomAD 0.00001; gnomAD exomes 0.00001 and 0.00008; TOPMed 0.00006.
gnomAD v4.1: 117 of 1,613,944 alleles (0.0072%); highest among the groups gnomAD compares: Non-Finnish European, 0.0092%; no homozygotes.

Submissions (2):

Labcorp Genetics (formerly Invitae), Labcorp
Classification: Likely benign for Infantile-onset ascending hereditary spastic paralysis. Last evaluated: 2026-01-26. Review status: criteria provided, single submitter. Criteria: Invitae Variant Classification Sherloc (09022015). Collection method: clinical testing. Allele origin: germline.

CeGaT Center for Human Genetics Tuebingen
Classification: Likely benign. Last evaluated: 2024-11-01. Review status: criteria provided, single submitter. Criteria: CeGaT Center For Human Genetics Tuebingen Variant Classification Criteria Version 2. Collection method: clinical testing. Allele origin: germline. Affected: yes. Observed: 2 variant alleles.
Comment: ALS2: BP4, BP7